The following is an entry in ClinVar:

NM_001130823.3(DNMT1):c.490A>G (p.Arg164Gly)

Gene: DNMT1 (DNA methyltransferase 1; minus strand). Cytogenetic location: 19p13.2.
Variant type: single nucleotide variant.
Coding change: c.490A>G on transcript NM_001130823.3 (MANE Select); coding-DNA position 490, A replaced by G.
Protein change: p.Arg164Gly; replaces arginine 164 with glycine.
Molecular consequence: missense variant. On other transcripts: intron variant (2).
Genome position (GRCh38, 1-based): chr19:10,180,190, T>C on the plus strand (A>G on the coding strand, the complement: DNMT1 is on the minus strand). VCF-style: chr19-10180190-T-C. GRCh37 (hg19) VCF-style: chr19-10290866-T-C.
Other names: c.127A>G, p.Arg43Gly (NM_001318731.2); c.445+160A>G (NM_001379.4, NM_001318730.2); short protein forms R164G, R43G.
Identifiers: ClinVar variation 1700850 (VCV001700850.2), dbSNP rs2145377808, ClinGen allele CA403945851.

ClinVar aggregate classification (germline): Uncertain significance (1 of 4 stars; one submission).

Allele frequency attached by ClinVar (database versions not stated): gnomAD exomes below 0.00001.
gnomAD v4.1: 1 of 840,048 alleles (0.00012%); highest among the groups gnomAD compares: Non-Finnish European, 0.00019%; no homozygotes.

Submission:

GeneDx
Classification: Uncertain significance. Last evaluated: 2022-02-09. Review status: criteria provided, single submitter. Criteria: GeneDx Variant Classification Process June 2021. Collection method: clinical testing. Allele origin: germline. Affected: yes.
Comment: Not observed at significant frequency in large population cohorts (gnomAD); In silico analysis supports that this missense variant does not alter protein structure/function; Has not been previously published as pathogenic or benign to our knowledge